The following is an entry in ClinVar:

ClinVar aggregate classification (germline): Likely pathogenic (1 of 4 stars; one submission).

Conditions:
Febrile seizures, familial, 8 (FEB8). Also called: CONVULSIONS, FAMILIAL FEBRILE, 8. Identifiers: Orphanet 36387, MedGen C1969810, MONDO:0011891, OMIM 607681.

Submission:

Institute of Human Genetics, University of Leipzig Medical Center
Classification: Likely pathogenic for Febrile seizures, familial, 8. Last evaluated: 2023-10-02. Review status: criteria provided, single submitter. Criteria: ACMG Guidelines, 2015. Collection method: clinical testing. Allele origin: maternal. Inheritance: Autosomal dominant inheritance. Affected: yes.
Comment: Criteria applied: PVS1,PM2_SUP

NM_198904.4(GABRG2):c.631+2T>C

Gene: GABRG2 (gamma-aminobutyric acid type A receptor subunit gamma2; plus strand). Cytogenetic location: 5q34.
Variant type: single nucleotide variant.
Coding change: c.631+2T>C on transcript NM_198904.4 (MANE Select); the canonical splice donor site of the intron after coding-DNA position 631, T replaced by C.
Molecular consequence: splice donor variant.
Genome position (GRCh38, 1-based): chr5:162,101,319, T>C. VCF-style: chr5-162101319-T-C. GRCh37 (hg19) VCF-style: chr5-161528325-T-C.
Other names: c.346+2T>C (NM_001375349.1); c.631+2T>C (NM_001375343.1, NM_001375344.1, NM_001375340.1 and 4 more transcripts); c.211+2T>C (NM_001375350.1, NM_001375348.1); c.622+2T>C (NM_001375339.1); c.565+2T>C (NM_001375346.1, NM_001375345.1); c.544+2T>C (NM_001375347.1).
Identifiers: ClinVar variation 2627568 (VCV002627568.3), dbSNP rs2532582067, ClinGen allele CA362184688.